The following is an entry in ClinVar:

ClinVar aggregate classification (germline): Uncertain significance (1 of 4 stars; one submission).

Submission:

GeneDx
Classification: Uncertain significance. Last evaluated: 2026-03-06. Review status: criteria provided, single submitter. Criteria: GeneDx Variant Classification Process June 2021. Collection method: clinical testing. Allele origin: germline.
Comment: Not observed at significant frequency in large population cohorts (gnomAD); Has not been previously published as pathogenic or benign to our knowledge; In silico analysis suggests this variant may impact gene splicing. In the absence of RNA/functional studies, the actual effect of this sequence change is unknown..

NM_001923.5(DDB1):c.2832+4A>G

Gene: DDB1 (damage specific DNA binding protein 1; minus strand). Cytogenetic location: 11q12.2.
Variant type: single nucleotide variant.
Coding change: c.2832+4A>G on transcript NM_001923.5 (MANE Select); 4 bases into the intron after coding-DNA position 2832, A replaced by G.
Molecular consequence: intron variant.
Genome position (GRCh38, 1-based): chr11:61,303,861, T>C on the plus strand (A>G on the coding strand, the complement: DDB1 is on the minus strand). VCF-style: chr11-61303861-T-C. GRCh37 (hg19) VCF-style: chr11-61071333-T-C.
Identifiers: ClinVar variation 5007977 (VCV005007977.1).